The following is an entry in ClinVar:

ClinVar aggregate classification (germline): Pathogenic (1 of 4 stars; one submission).

Submission:

Labcorp Genetics (formerly Invitae), Labcorp
Classification: Pathogenic. Last evaluated: 2024-04-16. Review status: criteria provided, single submitter. Criteria: Invitae Variant Classification Sherloc (09022015). Collection method: clinical testing. Allele origin: germline.
Comment: This sequence change creates a premature translational stop signal (p.Pro121Glnfs*109) in the PKDCC gene. It is expected to result in an absent or disrupted protein product. Loss-of-function variants in PKDCC are known to be pathogenic (PMID: 19097194, 30478137). The frequency data for this variant in the population databases is considered unreliable, as metrics indicate insufficient coverage at this position in the gnomAD database. This variant has not been reported in the literature in individuals affected with PKDCC-related conditions. For these reasons, this variant has been classified as Pathogenic.

Literature cited by the submitters: PubMed 19097194; PubMed 30478137.

NM_138370.3(PKDCC):c.362del (p.Pro121fs)

Genes: PKDCC (protein kinase domain containing, cytoplasmic; plus strand), LOC129933565 (ATAC-STARR-seq lymphoblastoid silent region 11398; plus strand). Cytogenetic location: 2p21.
Variant type: Deletion.
Coding change: c.362del on transcript NM_138370.3 (MANE Select); coding-DNA position 362, one base deleted (C; older notation c.362delC).
Protein change: p.Pro121fs; shifts the reading frame from proline 121.
Molecular consequence: frameshift variant.
Genome position (GRCh38, 1-based): chr2:42,048,561, C deleted; the last of 3 consecutive C bases (chr2:42,048,559-42,048,561); deleting any one gives the same sequence. VCF-style (leftmost placement, unchanged base first): chr2-42048558-GC-G. GRCh37 (hg19) VCF-style: chr2-42275698-GC-G.
Other names: short protein forms P121fs.
Identifiers: ClinVar variation 2985805 (VCV002985805.3), dbSNP rs1408935815, ClinGen allele CA532238120.